The following is an entry in ClinVar:

ClinVar aggregate classification (germline): Uncertain significance (1 of 4 stars; one submission).

Conditions:
Adenylosuccinate lyase deficiency (ADSLD). Also called: ADSL DEFICIENCY. Identifiers: Orphanet 46, MedGen C0268126, MONDO:0007068, OMIM 103050.

Allele frequency attached by ClinVar (database versions not stated): gnomAD exomes below 0.00001.

Submission:

Labcorp Genetics (formerly Invitae), Labcorp
Classification: Uncertain significance for Adenylosuccinate lyase deficiency. Last evaluated: 2022-03-01. Review status: criteria provided, single submitter. Criteria: Invitae Variant Classification Sherloc (09022015). Collection method: clinical testing. Allele origin: germline.
Comment: This sequence change replaces serine, which is neutral and polar, with phenylalanine, which is neutral and non-polar, at codon 19 of the ADSL protein (p.Ser19Phe). This variant is not present in population databases (gnomAD no frequency). This variant has not been reported in the literature in individuals affected with ADSL-related conditions. Advanced modeling of protein sequence and biophysical properties (such as structural, functional, and spatial information, amino acid conservation, physicochemical variation, residue mobility, and thermodynamic stability) performed at Invitae indicates that this missense variant is expected to disrupt ADSL protein function. In summary, the available evidence is currently insufficient to determine the role of this variant in disease. Therefore, it has been classified as a Variant of Uncertain Significance.

NM_000026.4(ADSL):c.56C>T (p.Ser19Phe)

Gene: ADSL (adenylosuccinate lyase; plus strand). Cytogenetic location: 22q13.1.
Variant type: single nucleotide variant.
Coding change: c.56C>T on transcript NM_000026.4 (MANE Select); coding-DNA position 56, C replaced by T.
Protein change: p.Ser19Phe; replaces serine 19 with phenylalanine.
Molecular consequence: missense variant. On other transcripts: 5 prime UTR variant (1), non-coding transcript variant (1).
Genome position (GRCh38, 1-based): chr22:40,346,614, C>T. VCF-style: chr22-40346614-C-T. GRCh37 (hg19) VCF-style: chr22-40742618-C-T.
Other names: c.56C>T, p.Ser19Phe (NM_001123378.3, NM_001363840.3, NM_001410812.1 and 2 more transcripts); c.-82C>T (NM_001317923.2); short protein forms S19F.
Identifiers: ClinVar variation 1969329 (VCV001969329.2), dbSNP rs1555903913, ClinGen allele CA411632663.